The following is an entry in ClinVar:

ClinVar aggregate classification (germline): Conflicting classifications of pathogenicity. Review status: criteria provided, conflicting classifications (1 of 4 stars). 7 submissions from 7 submitters: Uncertain significance (4); Likely benign (2). 1 of the submissions does not count toward it. Last evaluated 2026-01-10.

Conditions:
Breast-ovarian cancer, familial, susceptibility to, 1 (BROVCA1). Also called: BRCA1 Hereditary Breast and Ovarian Cancer; OVARIAN CANCER, SUSCEPTIBILITY TO. Identifiers: Orphanet 145, MedGen C2676676, MONDO:0011450, OMIM 604370. Disease mechanism: loss of function.
Hereditary cancer-predisposing syndrome. Also called: Hereditary Cancer Syndrome; Neoplastic Syndromes, Hereditary; Hereditary neoplastic syndrome; Tumor predisposition. Identifiers: Orphanet 140162, MedGen C0027672, MeSH D009386, MONDO:0015356.
Hereditary breast ovarian cancer syndrome. Also called: Hereditary breast and/or ovarian cancer syndrome; Hereditary breast and ovarian cancer syndrome; Hereditary breast and ovarian cancer; Hereditary breast and ovarian cancer syndrome (HBOC); Breast and ovarian cancer; BRCA1- and BRCA2-Associated Hereditary Breast and Ovarian Cancer. Identifiers: Orphanet 145, MedGen C0677776, MeSH D061325, MONDO:0003582. Disease mechanism: loss of function.

gnomAD v4.1: 4 of 1,613,606 alleles (0.00025%); highest among the groups gnomAD compares: Admixed American, 0.0017%; no homozygotes.

Submissions (7):

Labcorp Genetics (formerly Invitae), Labcorp
Classification: Uncertain significance for Hereditary breast ovarian cancer syndrome. Last evaluated: 2026-01-10. Review status: criteria provided, single submitter. Criteria: Invitae Variant Classification Sherloc (09022015). Collection method: clinical testing. Allele origin: germline.
Comment: This sequence change replaces proline, which is neutral and non-polar, with threonine, which is neutral and polar, at codon 1136 of the BRCA1 protein (p.Pro1136Thr). This variant is present in population databases (rs431825395, gnomAD 0.02%). This missense change has been observed in individual(s) with familial breast and ovarian cancer (PMID: 25136594, 36881271). ClinVar contains an entry for this variant (Variation ID: 96911). Invitae Evidence Modeling of protein sequence and biophysical properties (such as structural, functional, and spatial information, amino acid conservation, physicochemical variation, residue mobility, and thermodynamic stability) indicates that this missense variant is not expected to disrupt BRCA1 protein function with a negative predictive value of 80%. In summary, the available evidence is currently insufficient to determine the role of this variant in disease. Therefore, it has been classified as a Variant of Uncertain Significance.

Ambry Genetics
Classification: Uncertain significance for Hereditary cancer-predisposing syndrome. Last evaluated: 2025-10-30. Review status: criteria provided, single submitter. Criteria: Ambry Variant Classification Scheme 2023. Collection method: clinical testing. Allele origin: germline.
Comment: The p.P1136T variant (also known as c.3406C>A), located in coding exon 9 of the BRCA1 gene, results from a C to A substitution at nucleotide position 3406. The proline at codon 1136 is replaced by threonine, an amino acid with highly similar properties. This amino acid position is not well conserved in available vertebrate species. In addition, the in silico prediction for this alteration is inconclusive. Based on the available evidence, the clinical significance of this variant remains unclear.

Molecular Diagnostics Laboratory, Catalan Institute of Oncology
Classification: Likely benign for Hereditary cancer-predisposing syndrome. Last evaluated: 2025-08-25. Review status: criteria provided, single submitter. Criteria: ClinGen BRCA1BRCA2 ACMG Specifications BRCA1 V1.0.0. Collection method: clinical testing. Allele origin: germline.
Comment: BP1_Strong c.3406C>A, located in exon 10 of the BRCA1 gene, is predicted to result in the substitution of Proline with Threonine at codon 1136, p.(Pro1136Thr). This position is outside a (potentially) clinically important functional domain and, the SpliceAI algorithm predicts no significant impact on splicing (BP1_Strong).This variant is found in 2/236356 alleles at a frequency of 0.0008% in the gnomAD v2.1.1 database, non-cancer dataset. To our knowledge, neither multifactorial analysis nor well-established functional studies have been reported for this variant. It has been reported in ClinVar (1x likely benign, 4x uncertain significance) and LOVD (1x uncertain significance). Based on the currently available evidence, c.3406C>A is classified as a likely benign variant according to ClinGen-BRCA1 Guidelines v.1.

Color Diagnostics, LLC DBA Color Health
Classification: Uncertain significance for Hereditary cancer-predisposing syndrome. Last evaluated: 2023-08-31. Review status: criteria provided, single submitter. Criteria: ACMG Guidelines, 2015. Collection method: clinical testing. Allele origin: germline.
Comment: This variant is located in the BRCA1 protein. Computational prediction suggests that this variant may not impact protein structure and function (internally defined REVEL score threshold <= 0.5, PMID: 27666373). To our knowledge, functional studies have not been reported for this variant. This variant has been reported in a suspected hereditary breast and/or ovarian cancer family (PMID: 25136594). This variant has been identified in 2/250892 chromosomes in the general population by the Genome Aggregation Database (gnomAD). The available evidence is insufficient to determine the role of this variant in disease conclusively. Therefore, this variant is classified as a Variant of Uncertain Significance.

All of Us Research Program, National Institutes of Health
Classification: Uncertain significance for Breast-ovarian cancer, familial, susceptibility to, 1. Last evaluated: 2023-06-15. Review status: criteria provided, single submitter. Criteria: ACMG Guidelines, 2015. Collection method: clinical testing. Allele origin: germline. Inheritance: Autosomal dominant inheritance. Observed: 1 variant allele, 1 heterozygote.
Comment: This study involves interpretation of variants in research participants for the purpose of population health screening. Participant phenotype was not available at the time of variant classification. Additional details can be found in publication PMID: 35346344, PMCID: PMC8962531

University of Washington Department of Laboratory Medicine, University of Washington
Classification: Likely benign for Hereditary cancer-predisposing syndrome. Last evaluated: 2023-03-23. Review status: criteria provided, single submitter. Criteria: Dines et al. (Genet Med. 2020). Collection method: curation. Allele origin: germline.
Comment: Missense variant in a coldspot region where missense variants are very unlikely to be pathogenic (PMID:31911673).

BRCA1 coldspot (exon 11 using historical exon numbering). Reclassification based on statistical prior probability

Sharing Clinical Reports Project (SCRP)
Classification: Uncertain significance for Breast-ovarian cancer, familial 1. Last evaluated: 2012-05-01. Review status: no assertion criteria provided. Collection method: clinical testing. Allele origin: germline. Not counted in ClinVar's aggregate classification.

Literature cited by the submitters: PubMed 25136594 (cited by Labcorp Genetics (formerly Invitae), Labcorp and Color Diagnostics, LLC DBA Color Health); PubMed 36881271 (cited by Labcorp Genetics (formerly Invitae), Labcorp).

NM_007294.4(BRCA1):c.3406C>A (p.Pro1136Thr)

Genes: BRCA1 (BRCA1 DNA repair associated; minus strand), LOC126862571 (BRD4-independent group 4 enhancer GRCh37_chr17:41243136-41244335; plus strand). Cytogenetic location: 17q21.31.
Variant type: single nucleotide variant.
Coding change: c.3406C>A on transcript NM_007294.4 (MANE Select); coding-DNA position 3406, C replaced by A.
Protein change: p.Pro1136Thr; replaces proline 1136 with threonine.
Molecular consequence: missense variant. On other transcripts: intron variant (135).
Genome position (GRCh38, 1-based): chr17:43,092,125, G>T on the plus strand (C>A on the coding strand, the complement: BRCA1 is on the minus strand). VCF-style: chr17-43092125-G-T. GRCh37 (hg19) VCF-style: chr17-41244142-G-T.
Other names: 3525C>A; c.3406C>A, p.Pro1136Thr (NM_001407596.1, NM_001407597.1, NM_001407598.1 and 30 more transcripts); c.3403C>A, p.Pro1135Thr (NM_001407610.1, NM_001407611.1, NM_001407612.1 and 22 more transcripts); c.3397C>A, p.Pro1133Thr (NM_001407646.1, NM_001407647.1); c.3283C>A, p.Pro1095Thr (NM_001407648.1, NM_001407664.1, NM_001407665.1 and 19 more transcripts); c.3280C>A, p.Pro1094Thr (NM_001407649.1, NM_001407670.1, NM_001407671.1 and 11 more transcripts); c.3328C>A, p.Pro1110Thr (NM_001407653.1, NM_001407654.1, NM_001407655.1 and 4 more transcripts); c.3325C>A, p.Pro1109Thr (NM_001407659.1, NM_001407660.1, NM_001407661.1 and 1 more transcripts); and 42 more; short protein forms P1136T, P1089T, P1047T, P1065T, P1069T, P1095T, P1110T, P1135T.
Identifiers: ClinVar variation 96911 (VCV000096911.36), dbSNP rs431825395, ClinGen allele CA002201.